The following is an entry in ClinVar:

GRCh37/hg19 18q21.33-23(chr18:60098018-78014123)x1

Genes: ADNP2 (ADNP homeobox 2; plus strand), ATP9B (ATPase phospholipid transporting 9B (putative); plus strand), BCL2 (BCL2 apoptosis regulator; minus strand), C18orf63 (chromosome 18 open reading frame 63; plus strand), CBLN2 (cerebellin 2 precursor; minus strand) and 50 more. Cytogenetic location: 18q21.33-23.
Variant type: copy number loss.
Change: copy number 1 (one copy instead of two) of chr18:60,098,018-78,014,123 (17.92 Mb, GRCh37 coordinates, 1-based), cytogenetic band 18q21.33-23.
Identifiers: ClinVar variation 816053 (VCV000816053.1).

ClinVar aggregate classification (germline): Pathogenic (1 of 4 stars; one submission).

Submission:

Quest Diagnostics Nichols Institute San Juan Capistrano
Classification: Pathogenic. Last evaluated: 2024-02-26. Review status: criteria provided, single submitter. Criteria: ACMG/ClinGen CNV Guidelines, 2019. Collection method: clinical testing. Allele origin: unknown.
Comment: This copy number loss is associated with chromosome 18q deletion syndrome (OMIM 601808; Cody 2015, Dostal 2009, Li 2021, Margarit 2012, Tassano 2016). There are no similar copy number losses spanning this region in the general populations of the Database of Genomic Variants. Thus, this copy number variant (CNV) is classified as pathogenic. References: Cody et al., Am J Med Genet C Semin Med Genet. 2015 Sep;169(3):265-80. PMID: 26235940; Dostal et al., J Craniomaxillofac Surg. 2009 Jul;37(5):272-5. PMID: 19157891; Li et al., Front Genet. 2021 Sep 20;12:707411. PMID: 34616427; Margarit et al., Am J Med Genet A. 2012 Mar;158A(3):611-6. PMID: 22302430; Tassano et al., Mol Cytogenet. 2016 Oct 10;9:78. PMID: 27766118; Yu et al., BMC Med Genomics. 2022 Sep 19;15(1):199. PMID: 36123715